The following is an entry in ClinVar:

NM_001145308.5(LRTOMT):c.*877T>C

Genes: ANAPC15 (anaphase promoting complex subunit 15; minus strand), LRTOMT (leucine rich transmembrane and O-methyltransferase domain containing; plus strand). Cytogenetic location: 11q13.4.
Variant type: single nucleotide variant.
Coding change: c.*877T>C on transcript NM_001145308.5; 877 bases downstream of the stop codon, T replaced by C.
Molecular consequence: 3 prime UTR variant. On other transcripts: intron variant (10), non-coding transcript variant (3).
Genome position (GRCh38, 1-based): chr11:72,109,802, T>C. VCF-style: chr11-72109802-T-C. GRCh37 (hg19) VCF-style: chr11-71820848-T-C.
Other names: c.*79A>G (NM_001393448.1, NM_001393449.1, NM_001393450.1 and 32 more transcripts); c.318+286A>G (NM_001330321.2, NM_001393443.1, NM_001393445.1 and 6 more transcripts); c.63+286A>G (NM_001393459.1); c.*877T>C (NM_001145309.4, NM_001145310.4).
Identifiers: ClinVar variation 306011 (VCV000306011.5), dbSNP rs113912971, ClinGen allele CA10640081.

ClinVar aggregate classification (germline): Likely benign (1 of 4 stars; one submission).

Conditions:
Autosomal recessive nonsyndromic hearing loss 63. Identifiers: Orphanet 90636, MedGen C1969621, MONDO:0012670, OMIM 611451.

Allele frequency attached by ClinVar (database versions not stated): gnomAD 0.01125 and 0.01193; TOPMed 0.01183; 1000 Genomes Project 0.01418; 1000 Genomes Project 30x 0.01593.
gnomAD v4.1: 3,325 of 1,568,676 alleles (0.21%); highest among the groups gnomAD compares: African/African-American, 4%; 53 homozygotes.

Submission:

Illumina Laboratory Services, Illumina
Classification: Likely benign for Autosomal recessive nonsyndromic hearing loss 63. Last evaluated: 2018-01-13. Review status: criteria provided, single submitter. Criteria: ICSL Variant Classification Criteria 13 December 2019. Collection method: clinical testing. Allele origin: germline.
Comment: This variant was observed in the ICSL laboratory as part of a predisposition screen in an ostensibly healthy population. It had not been previously curated by ICSL or reported in the Human Gene Mutation Database (HGMD: prior to June 1st, 2018), and was therefore a candidate for classification through an automated scoring system. Utilizing variant allele frequency, disease prevalence and penetrance estimates, and inheritance mode, an automated score was calculated to assess if this variant is too frequent to cause the disease. Based on the score and internal cut-off values, a variant classified as likely benign is not then subjected to further curation. The score for this variant resulted in a classification of likely benign for this disease.